The following is an entry in ClinVar:

ClinVar aggregate classification (germline): Likely benign (1 of 4 stars; one submission).

Conditions:
COL4A1-related disorder. Also called: COL4A1-related condition; COL4A1-related disorders. Identifiers: MedGen CN376119, MONDO:0800461.

Submission:

PreventionGenetics, part of Exact Sciences
Classification: Likely benign for COL4A1-related condition. Last evaluated: 2024-12-19. Review status: criteria provided, single submitter. Criteria: ACMG Guidelines, 2015. Collection method: clinical testing. Allele origin: germline.
Comment: This variant is classified as likely benign based on ACMG/AMP sequence variant interpretation guidelines (Richards et al. 2015 PMID: 25741868, with internal and published modifications).

NM_001845.6(COL4A1):c.2346T>A (p.Gly782=)

Gene: COL4A1 (collagen type IV alpha 1 chain; minus strand). Cytogenetic location: 13q34.
Variant type: single nucleotide variant.
Coding change: c.2346T>A on transcript NM_001845.6 (MANE Select); coding-DNA position 2346, T replaced by A.
Protein change: p.Gly782=; no amino-acid change (glycine 782 retained).
Molecular consequence: synonymous variant.
Genome position (GRCh38, 1-based): chr13:110,179,035, A>T on the plus strand (T>A on the coding strand, the complement: COL4A1 is on the minus strand). VCF-style: chr13-110179035-A-T. GRCh37 (hg19) VCF-style: chr13-110831382-A-T.
Identifiers: ClinVar variation 4985572 (VCV004985572.1).